The following is an entry in ClinVar:

ClinVar aggregate classification (germline): Likely benign (1 of 4 stars; one submission).

Allele frequency attached by ClinVar (database versions not stated): gnomAD exomes 0.00049; gnomAD 0.00467; TOPMed 0.00504.
gnomAD v4.1: 1,391 of 1,499,228 alleles (0.093%); highest among the groups gnomAD compares: African/African-American, 1.6%; 14 homozygotes.

Submission:

GeneDx
Classification: Likely benign. Last evaluated: 2019-05-28. Review status: criteria provided, single submitter. Criteria: GeneDx Variant Classification Process June 2021. Collection method: clinical testing. Allele origin: germline. Affected: yes.
Comment: See Variant Classification Assertion Criteria.

NM_000135.4(FANCA):c.2504+82C>G

Gene: FANCA (FA complementation group A; minus strand). Cytogenetic location: 16q24.3.
Variant type: single nucleotide variant.
Coding change: c.2504+82C>G on transcript NM_000135.4 (MANE Select); 82 bases into the intron after coding-DNA position 2504, C replaced by G.
Molecular consequence: intron variant.
Genome position (GRCh38, 1-based): chr16:89,769,755, G>C on the plus strand (C>G on the coding strand, the complement: FANCA is on the minus strand). VCF-style: chr16-89769755-G-C. GRCh37 (hg19) VCF-style: chr16-89836163-G-C.
Other names: c.2504+82C>G (NM_001286167.3).
Identifiers: ClinVar variation 1804572 (VCV001804572.1), dbSNP rs55646310, ClinGen allele CA286564216.